The following is an entry in ClinVar:

ClinVar aggregate classification (germline): Uncertain significance. Review status: criteria provided, multiple submitters, no conflicts (2 of 4 stars). 4 submissions from 3 submitters: Uncertain significance (4). Last evaluated 2025-08-07.

Conditions:
Autosomal recessive ataxia, Beauce type. Also called: Spinocerebellar ataxia, autosomal recessive 8; ATAXIA, RECESSIVE, OF BEAUCE; SYNE1-Related Autosomal Recessive Cerebellar Ataxia; SYNE1 Deficiency. Identifiers: Orphanet 88644, MedGen C1853116, MONDO:0012549, OMIM 610743.
Emery-Dreifuss muscular dystrophy 4, autosomal dominant (EDMD4). Also called: EMERY-DREIFUSS MUSCULAR DYSTROPHY 4 WITH VARIABLE FEATURES. Identifiers: Orphanet 261, MedGen C2751807, MONDO:0013071, OMIM 612998.

Allele frequency attached by ClinVar (database versions not stated): gnomAD exomes 0.00004.
gnomAD v4.1: 63 of 1,612,898 alleles (0.0039%); highest among the groups gnomAD compares: Non-Finnish European, 0.005%; no homozygotes.

Submissions (4):

Labcorp Genetics (formerly Invitae), Labcorp
Classification: Uncertain significance for Emery-Dreifuss muscular dystrophy 4, autosomal dominant; Autosomal recessive ataxia, Beauce type. Last evaluated: 2025-08-07. Review status: criteria provided, single submitter. Criteria: Invitae Variant Classification Sherloc (09022015). Collection method: clinical testing. Allele origin: germline.
Comment: This sequence change replaces arginine, which is basic and polar, with glycine, which is neutral and non-polar, at codon 3646 of the SYNE1 protein (p.Arg3646Gly). This variant is present in population databases (rs767172575, gnomAD 0.003%). This variant has not been reported in the literature in individuals affected with SYNE1-related conditions. ClinVar contains an entry for this variant (Variation ID: 448542). An algorithm developed to predict the effect of missense changes on protein structure and function outputs the following: PolyPhen-2: "Benign". The glycine amino acid residue is found in multiple mammalian species, which suggests that this missense change does not adversely affect protein function. In summary, the available evidence is currently insufficient to determine the role of this variant in disease. Therefore, it has been classified as a Variant of Uncertain Significance.

Illumina Laboratory Services, Illumina
Classification: Uncertain significance for Autosomal recessive ataxia, Beauce type. Last evaluated: 2018-01-13. Review status: criteria provided, single submitter. Criteria: ICSL Variant Classification Criteria 13 December 2019. Collection method: clinical testing. Allele origin: germline.

Illumina Laboratory Services, Illumina
Classification: Uncertain significance for Emery-Dreifuss muscular dystrophy 4, autosomal dominant. Last evaluated: 2018-01-13. Review status: criteria provided, single submitter. Criteria: ICSL Variant Classification Criteria 13 December 2019. Collection method: clinical testing. Allele origin: germline.

Athena Diagnostics
Classification: Uncertain significance. Last evaluated: 2016-12-30. Review status: criteria provided, single submitter. Criteria: Athena Diagnostics Criteria. Collection method: clinical testing. Allele origin: germline.

NM_182961.4(SYNE1):c.10981A>G (p.Arg3661Gly)

Gene: SYNE1 (spectrin repeat containing nuclear envelope protein 1; minus strand). Cytogenetic location: 6q25.2.
Variant type: single nucleotide variant.
Coding change: c.10981A>G on transcript NM_182961.4 (MANE Select); coding-DNA position 10981, A replaced by G.
Protein change: p.Arg3661Gly; replaces arginine 3661 with glycine.
Molecular consequence: missense variant.
Genome position (GRCh38, 1-based): chr6:152,353,690, T>C on the plus strand (A>G on the coding strand, the complement: SYNE1 is on the minus strand). VCF-style: chr6-152353690-T-C. GRCh37 (hg19) VCF-style: chr6-152674825-T-C.
Other names: c.10936A>G, p.Arg3646Gly (NM_033071.5); short protein forms R3646G, R3661G.
Identifiers: ClinVar variation 448542 (VCV000448542.8), dbSNP rs767172575, ClinGen allele CA4056824.